The following is an entry in ClinVar:

ClinVar aggregate classification (germline): Uncertain significance (1 of 4 stars; one submission).

Conditions:
Leukocyte adhesion deficiency 3. Also called: INTEGRIN ACTIVATION DEFICIENCY DISEASE; LEUKOCYTE ADHESION DEFICIENCY 1 VARIANT; Leukocyte adhesion deficiency, type III. Identifiers: Orphanet 2968, Orphanet 99844, MedGen C2748536, MONDO:0013016, OMIM 612840.

Allele frequency attached by ClinVar (database versions not stated): gnomAD exomes below 0.00001 and 0.00005; gnomAD 0.00001; TOPMed 0.00001; ExAC 0.00002.
gnomAD v4.1: 67 of 1,613,942 alleles (0.0042%); highest among the groups gnomAD compares: Non-Finnish European, 0.0055%; no homozygotes.

Submission:

Labcorp Genetics (formerly Invitae), Labcorp
Classification: Uncertain significance for Leukocyte adhesion deficiency 3. Last evaluated: 2022-03-02. Review status: criteria provided, single submitter. Criteria: Invitae Variant Classification Sherloc (09022015). Collection method: clinical testing. Allele origin: germline.
Comment: In summary, the available evidence is currently insufficient to determine the role of this variant in disease. Therefore, it has been classified as a Variant of Uncertain Significance. Algorithms developed to predict the effect of missense changes on protein structure and function are either unavailable or do not agree on the potential impact of this missense change (SIFT: "Deleterious"; PolyPhen-2: "Benign"; Align-GVGD: "Class C0"). This variant has not been reported in the literature in individuals affected with FERMT3-related conditions. This variant is present in population databases (rs755669055, gnomAD 0.0009%). This sequence change replaces isoleucine, which is neutral and non-polar, with valine, which is neutral and non-polar, at codon 607 of the FERMT3 protein (p.Ile607Val).

NM_031471.6(FERMT3):c.1819A>G (p.Ile607Val)

Gene: FERMT3 (FERM domain containing kindlin 3; plus strand). Cytogenetic location: 11q13.1.
Variant type: single nucleotide variant.
Coding change: c.1819A>G on transcript NM_031471.6 (MANE Select); coding-DNA position 1819, A replaced by G.
Protein change: p.Ile607Val; replaces isoleucine 607 with valine.
Molecular consequence: missense variant.
Genome position (GRCh38, 1-based): chr11:64,223,319, A>G. VCF-style: chr11-64223319-A-G. GRCh37 (hg19) VCF-style: chr11-63990791-A-G.
Other names: c.1819A>G, p.Ile607Val (NM_001382361.1, NM_001382448.1); c.1831A>G, p.Ile611Val (NM_001382362.1, NM_178443.3); c.1279A>G, p.Ile427Val (NM_001382363.1); c.1291A>G, p.Ile431Val (NM_001382364.1); short protein forms I427V, I431V, I607V, I611V.
Identifiers: ClinVar variation 1519053 (VCV001519053.4), dbSNP rs755669055, ClinGen allele CA6069303.
Genomic context (GRCh38, chr11:64,223,319, plus strand): 5'-GCAGGGGCTGCTCCCTTATCCCACCCACCATTTGCCCCTCTGTCTGCCCTTCAGGTGGCC[A>G]TCGAGTTTGATGAACACATCAATGTGGCCTTCAGCTGCGTGTCTGCCAGCTGCCGAATTG-3'
Protein context (NP_113659.3, residues 597-617): NVNWDIRQVA[Ile607Val]EFDEHINVAF